The following is an entry in ClinVar:

NM_000138.5(FBN1):c.4582+3A>T

Gene: FBN1 (fibrillin 1; minus strand). Cytogenetic location: 15q21.1.
Variant type: single nucleotide variant.
Coding change: c.4582+3A>T on transcript NM_000138.5 (MANE Select); 3 bases into the intron after coding-DNA position 4582, A replaced by T.
Molecular consequence: intron variant.
Genome position (GRCh38, 1-based): chr15:48,468,409, T>A on the plus strand (A>T on the coding strand, the complement: FBN1 is on the minus strand). VCF-style: chr15-48468409-T-A. GRCh37 (hg19) VCF-style: chr15-48760606-T-A.
Identifiers: ClinVar variation 811727 (VCV000811727.13), dbSNP rs777845323, ClinGen allele CA915945997.
Genomic context (GRCh38, chr15:48,468,409, plus strand): 5'-TGGTGCTGTTTTCAAAATAATACACAGTATGCTTGCTTCTCTGAAAAGTTTTTAAGGTCT[T>A]ACCAACACAGCCAACTCGAGTTGGGTTCAGTTCAAAATCAGGTGGGCAGTCACAGATATA-3'

ClinVar aggregate classification (germline): Uncertain significance. Review status: criteria provided, multiple submitters, no conflicts (2 of 4 stars). 2 submissions from 2 submitters: Uncertain significance (2). Last evaluated 2022-06-27.

Conditions:
Familial thoracic aortic aneurysm and aortic dissection (TAAD). Also called: Thoracic aortic aneurysms and dissections. Identifiers: Orphanet 91387, MedGen C4707243, MONDO:0019625.
Marfan syndrome (MFS). Also called: FBN1-Related Marfan Syndrome; Marfan's syndrome; MARFAN SYNDROME, TYPE I; Marfan syndrome type 1; Marfan syndrome, classic. Identifiers: Orphanet 284963, Orphanet 558, MedGen C0024796, MONDO:0007947, OMIM 154700.

Submissions (2):

Labcorp Genetics (formerly Invitae), Labcorp
Classification: Uncertain significance for Marfan syndrome; Familial thoracic aortic aneurysm and aortic dissection. Last evaluated: 2022-06-27. Review status: criteria provided, single submitter. Criteria: Invitae Variant Classification Sherloc (09022015). Collection method: clinical testing. Allele origin: germline.
Comment: This sequence change falls in intron 37 of the FBN1 gene. It does not directly change the encoded amino acid sequence of the FBN1 protein. It affects a nucleotide within the consensus splice site. This variant is not present in population databases (gnomAD no frequency). This variant has not been reported in the literature in individuals affected with FBN1-related conditions. ClinVar contains an entry for this variant (Variation ID: 811727). Variants that disrupt the consensus splice site are a relatively common cause of aberrant splicing (PMID: 17576681, 9536098). Algorithms developed to predict the effect of sequence changes on RNA splicing suggest that this variant may disrupt the consensus splice site. In summary, the available evidence is currently insufficient to determine the role of this variant in disease. Therefore, it has been classified as a Variant of Uncertain Significance.

ARUP Laboratories, Molecular Genetics and Genomics, ARUP Laboratories
Classification: Uncertain significance. Last evaluated: 2018-08-23. Review status: criteria provided, single submitter. Criteria: ARUP Molecular Germline Variant Investigation Process. Collection method: clinical testing. Allele origin: germline.
Comment: The FBN1 c.4582+3A>T variant, to our knowledge, is not reported in the medical literature or gene specific databases. This variant is also absent from general population databases (1000 Genomes Project, Exome Variant Server, and Genome Aggregation Database), indicating it is not a common polymorphism. This is an intronic variant in a highly conserved nucleotide, and computational analyses (Alamut v.2.11) predict that this variant significantly impacts splicing by weakening the nearby canonical donor splice site. However, given the lack of clinical and functional data, the significance of the c.4582+3A>T variant is uncertain at this time.

Literature cited by the submitters: PubMed 17576681 (cited by Labcorp Genetics (formerly Invitae), Labcorp); PubMed 9536098 (cited by Labcorp Genetics (formerly Invitae), Labcorp).